The following is an entry in ClinVar:

ClinVar aggregate classification (germline): Conflicting classifications of pathogenicity. Review status: criteria provided, conflicting classifications (1 of 4 stars). 4 submissions from 4 submitters: Uncertain significance (1); Likely benign (2). 1 of the submissions does not count toward it. Last evaluated 2025-09-30.

Conditions:
GPR101-related disorder. Also called: GPR101-related condition.

Allele frequency attached by ClinVar (database versions not stated): TOPMed 0.00062; gnomAD 0.00064 and 0.00065; ESP Exome Variant Server 0.00076.

Submissions (4):

Labcorp Genetics (formerly Invitae), Labcorp
Classification: Likely benign. Last evaluated: 2025-09-30. Review status: criteria provided, single submitter. Criteria: Invitae Variant Classification Sherloc (09022015). Collection method: clinical testing. Allele origin: germline.

Blueprint Genetics
Classification: Likely benign. Last evaluated: 2024-08-28. Review status: criteria provided, single submitter. Criteria: ACMG Guidelines, 2015. Collection method: clinical testing. Allele origin: germline.

Ambry Genetics
Classification: Uncertain significance. Last evaluated: 2021-08-17. Review status: criteria provided, single submitter. Criteria: Ambry Variant Classification Scheme 2023. Collection method: clinical testing. Allele origin: germline.

PreventionGenetics, part of Exact Sciences
Classification: Likely benign for GPR101-related condition. Last evaluated: 2022-08-08. Review status: no assertion criteria provided. Collection method: clinical testing. Allele origin: germline. Not counted in ClinVar's aggregate classification.
Comment: This variant is classified as likely benign based on ACMG/AMP sequence variant interpretation guidelines (Richards et al. 2015 PMID: 25741868, with internal and published modifications).

NM_054021.2(GPR101):c.892G>A (p.Val298Ile)

Gene: GPR101 (G protein-coupled receptor 101; minus strand). Cytogenetic location: Xq26.3.
Variant type: single nucleotide variant.
Coding change: c.892G>A on transcript NM_054021.2 (MANE Select); coding-DNA position 892, G replaced by A.
Protein change: p.Val298Ile; replaces valine 298 with isoleucine.
Molecular consequence: missense variant.
Genome position (GRCh38, 1-based): chrX:137,030,783, C>T on the plus strand (G>A on the coding strand, the complement: GPR101 is on the minus strand). VCF-style: chrX-137030783-C-T. GRCh37 (hg19) VCF-style: chrX-136112942-C-T.
Other names: short protein forms V298I.
Identifiers: ClinVar variation 737459 (VCV000737459.12), dbSNP rs140785131, ClinGen allele CA10529124.
Genomic context (GRCh38, chrX:137,030,783, plus strand): 5'-TGCTGCCGTCGCTGGCCACCGTGCTGCTCTCTCTGACCTCCTCGCTGCCCCTGGCCTCTA[C>T]ACTACTCTCACTGGTCCCCGTGCTTCCTTCCTTGGCCTTCAGGCTGCCGTCCTTGGCTTC-3'
Protein context (NP_473362.1, residues 288-308): EGSTGTSESS[Val298Ile]EARGSEEVRE